The following is an entry in ClinVar:

ClinVar aggregate classification (germline): Uncertain significance (1 of 4 stars; one submission).

Conditions:
Autosomal recessive limb-girdle muscular dystrophy type 2J (LGMDR10). Also called: Limb-girdle muscular dystrophy, type 2J; MUSCULAR DYSTROPHY, LIMB-GIRDLE, AUTOSOMAL RECESSIVE 10. Identifiers: Orphanet 140922, MedGen C1837342, MONDO:0012127, OMIM 608807.
Dilated cardiomyopathy 1G (CMD1G). Identifiers: Orphanet 154, MedGen C1858763, MONDO:0011400, OMIM 604145.

Submission:

Labcorp Genetics (formerly Invitae), Labcorp
Classification: Uncertain significance for Dilated cardiomyopathy 1G; Autosomal recessive limb-girdle muscular dystrophy type 2J. Last evaluated: 2023-06-25. Review status: criteria provided, single submitter. Criteria: Invitae Variant Classification Sherloc (09022015). Collection method: clinical testing. Allele origin: germline.
Comment: This variant is a gross deletion of the genomic region encompassing exon(s) 202 of the TTN gene. This deletion extends beyond the assayed region for this gene. This variant has not been reported in the literature in individuals affected with TTN-related conditions. Experimental studies and prediction algorithms are not available or were not evaluated, and the functional significance of this variant is currently unknown. This variant disrupts the I band(s) of TTN (PMID: 25589632). Copy number variants in TTN have been previously reported in individuals affected with neuromuscular disorders (PMID: 29792937, 30238059), but the functional significance of this variant is currently unknown. In summary, the available evidence is currently insufficient to determine the role of this variant in disease. Therefore, it has been classified as a Variant of Uncertain Significance.

Literature cited by the submitters: PubMed 25589632; PubMed 29792937; PubMed 30238059.

NC_000002.12:g.(?_178652244)_(178653527_?)del

Gene: TTN (titin; minus strand). Cytogenetic location: 2q31.2.
Variant type: Deletion.
Identifiers: ClinVar variation 583766 (VCV000583766.3).